The following is an entry in ClinVar:

ClinVar aggregate classification (germline): Uncertain significance. Review status: criteria provided, multiple submitters, no conflicts (2 of 4 stars). 4 submissions from 4 submitters: Uncertain significance (4). Last evaluated 2026-02-11.

Conditions:
Colorectal cancer, susceptibility to, 12 (CRCS12). Also called: COLORECTAL CANCER, SUSCEPTIBILITY TO, ON CHROMOSOME 12q24. Identifiers: Orphanet 220460, MedGen C3554460, MONDO:0014038, OMIM 615083.
Facial dysmorphism-immunodeficiency-livedo-short stature syndrome. Also called: Facial dysmorphism, immunodeficiency, livedo, and short stature; FILS syndrome. Identifiers: Orphanet 352712, MedGen C3554576, MONDO:0014058, OMIM 615139.
Intrauterine growth retardation, metaphyseal dysplasia, adrenal hypoplasia congenita, genital anomalies, and immunodeficiency. Also called: IMAGEI SYNDROME. Identifiers: MedGen C5193036, MONDO:0032684, OMIM 618336.
Hereditary cancer-predisposing syndrome. Also called: Neoplastic Syndromes, Hereditary; Hereditary Cancer Syndrome; Hereditary neoplastic syndrome; Tumor predisposition. Identifiers: Orphanet 140162, MedGen C0027672, MeSH D009386, MONDO:0015356.

Allele frequency attached by ClinVar (database versions not stated): gnomAD exomes below 0.00001; gnomAD 0.00002; TOPMed 0.00002.
gnomAD v4.1: 4 of 1,614,022 alleles (0.00025%); highest among the groups gnomAD compares: African/African-American, 0.0053%; no homozygotes.

Submissions (4):

St. Jude Molecular Pathology, St. Jude Children's Research Hospital
Classification: Uncertain significance for Colorectal cancer, susceptibility to, 12. Last evaluated: 2026-02-11. Review status: criteria provided, single submitter. Criteria: St. Jude Assertion Criteria 2020. Collection method: clinical testing. Allele origin: germline.
Comment: The POLE c.302A>G p.(Lys101Arg) missense change is absent in gnomAD v2.1.1. The in silico tool REVEL predicts a benign effect on protein function, but to our knowledge this prediction has not been confirmed by functional studies. To our knowledge, this variant has not been reported in the literature in individuals with POLE-related disease. In summary, the evidence currently available is insufficient to determine the clinical significance of this variant. It has therefore been classified as of uncertain significance.

Labcorp Genetics (formerly Invitae), Labcorp
Classification: Uncertain significance. Last evaluated: 2025-12-23. Review status: criteria provided, single submitter. Criteria: Invitae Variant Classification Sherloc (09022015). Collection method: clinical testing. Allele origin: germline.
Comment: This sequence change replaces lysine, which is basic and polar, with arginine, which is basic and polar, at codon 101 of the POLE protein (p.Lys101Arg). This variant is not present in population databases (gnomAD no frequency). This variant has not been reported in the literature in individuals affected with POLE-related conditions. ClinVar contains an entry for this variant (Variation ID: 540733). Invitae Evidence Modeling of protein sequence and biophysical properties (such as structural, functional, and spatial information, amino acid conservation, physicochemical variation, residue mobility, and thermodynamic stability) indicates that this missense variant is not expected to disrupt POLE protein function with a negative predictive value of 80%. Algorithms developed to predict the effect of sequence changes on RNA splicing suggest that this variant may create or strengthen a splice site. In summary, the available evidence is currently insufficient to determine the role of this variant in disease. Therefore, it has been classified as a Variant of Uncertain Significance.

Fulgent Genetics
Classification: Uncertain significance for Colorectal cancer, susceptibility to, 12; Facial dysmorphism-immunodeficiency-livedo-short stature syndrome; Intrauterine growth retardation, metaphyseal dysplasia, adrenal hypoplasia congenita, genital anomalies, and immunodeficiency. Last evaluated: 2024-04-26. Review status: criteria provided, single submitter. Criteria: ACMG Guidelines, 2015. Collection method: clinical testing. Allele origin: germline.

Ambry Genetics
Classification: Uncertain significance for Hereditary cancer-predisposing syndrome. Last evaluated: 2024-01-01. Review status: criteria provided, single submitter. Criteria: Ambry Variant Classification Scheme 2023. Collection method: clinical testing. Allele origin: germline.
Comment: The p.K101R variant (also known as c.302A>G), located in coding exon 4 of the POLE gene, results from an A to G substitution at nucleotide position 302. The lysine at codon 101 is replaced by arginine, an amino acid with highly similar properties. This amino acid position is conserved. In addition, this alteration is predicted to be tolerated by in silico analysis. Since supporting evidence is limited at this time, the clinical significance of this alteration remains unclear.

NM_006231.4(POLE):c.302A>G (p.Lys101Arg)

Gene: POLE (DNA polymerase epsilon, catalytic subunit; minus strand). Cytogenetic location: 12q24.33.
Variant type: single nucleotide variant.
Coding change: c.302A>G on transcript NM_006231.4 (MANE Select); coding-DNA position 302, A replaced by G.
Protein change: p.Lys101Arg; replaces lysine 101 with arginine.
Molecular consequence: missense variant.
Genome position (GRCh38, 1-based): chr12:132,680,206, T>C on the plus strand (A>G on the coding strand, the complement: POLE is on the minus strand). VCF-style: chr12-132680206-T-C. GRCh37 (hg19) VCF-style: chr12-133256792-T-C.
Other names: short protein forms K101R.
Identifiers: ClinVar variation 540733 (VCV000540733.15), dbSNP rs1016258970, ClinGen allele CA246302592.
Genomic context (GRCh38, chr12:132,680,206, plus strand): 5'-TCGTCTGACCTGAGTCTATGAAACACACTCACCTTTCTGGTCGCAATGTAGAAATACGGT[T>C]TATAGGGCAAAGCCACCTGTTAAGAGTCACCAACCCATCCAGGGGTGATGAGAAAGAAGA-3'
Protein context (NP_006222.2, residues 91-111): GSRFKVALPY[Lys101Arg]PYFYIATRKG